The following is an entry in ClinVar:

ClinVar aggregate classification (germline): Likely pathogenic (1 of 4 stars; one submission).

Conditions:
Atrial fibrillation, familial, 18 (ATFB18). Identifiers: MedGen C4310636, MONDO:0015001, OMIM 617280.

Allele frequency attached by ClinVar (database versions not stated): gnomAD exomes below 0.00001 and 0.00001; TOPMed 0.00001; ExAC 0.00002.
gnomAD v4.1: 7 of 1,614,152 alleles (0.00043%); highest among the groups gnomAD compares: South Asian, 0.0077%; no homozygotes.

Submission:

Labcorp Genetics (formerly Invitae), Labcorp
Classification: Likely pathogenic for Atrial fibrillation, familial, 18. Last evaluated: 2025-01-30. Review status: criteria provided, single submitter. Criteria: Invitae Variant Classification Sherloc (09022015). Collection method: clinical testing. Allele origin: germline.
Comment: This sequence change affects an acceptor splice site in intron 5 of the MYL4 gene. It is expected to disrupt RNA splicing. Variants that disrupt the donor or acceptor splice site typically lead to a loss of protein function (PMID: 16199547), and loss-of-function variants in MYL4 are known to be pathogenic (PMID: 25807286, 27742809). This variant is present in population databases (rs770372675, gnomAD 0.006%). This variant has not been reported in the literature in individuals affected with MYL4-related conditions. ClinVar contains an entry for this variant (Variation ID: 648701). Algorithms developed to predict the effect of sequence changes on RNA splicing suggest that this variant may disrupt the consensus splice site. In summary, the currently available evidence indicates that the variant is pathogenic, but additional data are needed to prove that conclusively. Therefore, this variant has been classified as Likely Pathogenic.

Literature cited by the submitters: PubMed 16199547; PubMed 25807286; PubMed 27742809.

NM_002476.2(MYL4):c.488-1G>A

Gene: MYL4 (myosin light chain 4; plus strand). Cytogenetic location: 17q21.32.
Variant type: single nucleotide variant.
Coding change: c.488-1G>A on transcript NM_002476.2 (MANE Select); the canonical splice acceptor site of the intron before coding-DNA position 488, G replaced by A.
Molecular consequence: splice acceptor variant.
Genome position (GRCh38, 1-based): chr17:47,222,379, G>A. VCF-style: chr17-47222379-G-A. GRCh37 (hg19) VCF-style: chr17-45299745-G-A.
Other names: c.488-1G>A (NM_001002841.2).
Identifiers: ClinVar variation 648701 (VCV000648701.9), dbSNP rs770372675, ClinGen allele CA8622776.